The following is an entry in ClinVar:

ClinVar aggregate classification (germline): Uncertain significance (1 of 4 stars; one submission).

Conditions:
Chédiak-Higashi syndrome (CHS). Also called: Chediak-Higashi Syndrome. Identifiers: Orphanet 167, MedGen C0007965, MONDO:0008963, OMIM 214500.

Submission:

Labcorp Genetics (formerly Invitae), Labcorp
Classification: Uncertain significance for Chédiak-Higashi syndrome. Last evaluated: 2022-04-30. Review status: criteria provided, single submitter. Criteria: Invitae Variant Classification Sherloc (09022015). Collection method: clinical testing. Allele origin: germline.
Comment: This sequence change replaces serine, which is neutral and polar, with isoleucine, which is neutral and non-polar, at codon 3477 of the LYST protein (p.Ser3477Ile). This variant is not present in population databases (gnomAD no frequency). This variant has not been reported in the literature in individuals affected with LYST-related conditions. Algorithms developed to predict the effect of missense changes on protein structure and function are either unavailable or do not agree on the potential impact of this missense change (SIFT: "Deleterious"; PolyPhen-2: "Probably Damaging"; Align-GVGD: "Class C0"). In summary, the available evidence is currently insufficient to determine the role of this variant in disease. Therefore, it has been classified as a Variant of Uncertain Significance.

NM_000081.4(LYST):c.10430G>T (p.Ser3477Ile)

Gene: LYST (lysosomal trafficking regulator; minus strand). Cytogenetic location: 1q42.3.
Variant type: single nucleotide variant.
Coding change: c.10430G>T on transcript NM_000081.4 (MANE Select); coding-DNA position 10430, G replaced by T.
Protein change: p.Ser3477Ile; replaces serine 3477 with isoleucine.
Molecular consequence: missense variant.
Genome position (GRCh38, 1-based): chr1:235,697,217, C>A on the plus strand (G>T on the coding strand, the complement: LYST is on the minus strand). VCF-style: chr1-235697217-C-A. GRCh37 (hg19) VCF-style: chr1-235860517-C-A.
Other names: c.10430G>T, p.Ser3477Ile (NM_001301365.1); short protein forms S3477I.
Identifiers: ClinVar variation 2132105 (VCV002132105.1), dbSNP rs2527285370, ClinGen allele CA344929264.